The following is an entry in ClinVar:

NM_006218.4(PIK3CA):c.905T>C (p.Phe302Ser)

Gene: PIK3CA (phosphatidylinositol-4,5-bisphosphate 3-kinase catalytic subunit alpha; plus strand). Cytogenetic location: 3q26.32.
Variant type: single nucleotide variant.
Coding change: c.905T>C on transcript NM_006218.4 (MANE Select); coding-DNA position 905, T replaced by C.
Protein change: p.Phe302Ser; replaces phenylalanine 302 with serine.
Molecular consequence: missense variant.
Genome position (GRCh38, 1-based): chr3:179,203,635, T>C. VCF-style: chr3-179203635-T-C. GRCh37 (hg19) VCF-style: chr3-178921423-T-C.
Other names: short protein forms F302S.
Identifiers: ClinVar variation 3418563 (VCV003418563.1).

ClinVar aggregate classification (germline): Uncertain significance (1 of 4 stars; one submission).

Conditions:
Inborn genetic diseases. Identifiers: MedGen C0950123, MeSH D030342.

Submission:

Ambry Genetics
Classification: Uncertain significance for Inborn genetic diseases. Last evaluated: 2024-12-08. Review status: criteria provided, single submitter. Criteria: Ambry Variant Classification Scheme 2023. Collection method: clinical testing. Allele origin: germline.
Comment: The p.F302S variant (also known as c.905T>C), located in coding exon 4 of the PIK3CA gene, results from a T to C substitution at nucleotide position 905. The phenylalanine at codon 302 is replaced by serine, an amino acid with highly dissimilar properties. This amino acid position is conserved. In addition, this alteration is predicted to be deleterious by in silico analysis. Based on the available evidence, the clinical significance of this variant remains unclear.